The following is an entry in ClinVar:

ClinVar aggregate classification (germline): Pathogenic (1 of 4 stars; one submission).

Conditions:
Hereditary diffuse gastric adenocarcinoma (HDGC). Also called: DIFFUSE GASTRIC AND LOBULAR BREAST CANCER SYNDROME. Identifiers: Orphanet 26106, MedGen C1708349, MONDO:0007648, OMIM 137215.

Submission:

Labcorp Genetics (formerly Invitae), Labcorp
Classification: Pathogenic for Hereditary diffuse gastric adenocarcinoma. Last evaluated: 2025-09-19. Review status: criteria provided, single submitter. Criteria: Invitae Variant Classification Sherloc (09022015). Collection method: clinical testing. Allele origin: germline.
Comment: This sequence change creates a premature translational stop signal (p.Ala824Profs*22) in the CDH1 gene. While this is not anticipated to result in nonsense mediated decay, it is expected to disrupt the last 59 amino acid(s) of the CDH1 protein. This variant is not present in population databases (gnomAD no frequency). This variant has not been reported in the literature in individuals affected with CDH1-related conditions. This variant disrupts a region of the CDH1 protein in which other variant(s) (p.Glu836*) have been determined to be pathogenic (PMID: 29798843). This suggests that this is a clinically significant region of the protein, and that variants that disrupt it are likely to be disease-causing. For these reasons, this variant has been classified as Pathogenic.

Literature cited by the submitters: PubMed 29798843.

NM_004360.5(CDH1):c.2470del (p.Ala824fs)

Gene: CDH1 (cadherin 1; plus strand). Cytogenetic location: 16q22.1.
Variant type: Deletion.
Coding change: c.2470del on transcript NM_004360.5 (MANE Select); coding-DNA position 2470, one base deleted (G; older notation c.2470delG).
Protein change: p.Ala824fs; shifts the reading frame from alanine 824.
Molecular consequence: frameshift variant.
Genome position (GRCh38, 1-based): chr16:68,833,320, G deleted. VCF-style (leftmost placement, unchanged base first): chr16-68833319-AG-A. GRCh37 (hg19) VCF-style: chr16-68867222-AG-A.
Other names: c.2287del, p.Ala763fs (NM_001317184.2); c.922del, p.Ala308fs (NM_001317185.2); c.505del, p.Ala169fs (NM_001317186.2); short protein forms A169fs, A308fs, A763fs, A824fs.
Identifiers: ClinVar variation 4727431 (VCV004727431.1).